The following is an entry in ClinVar:

NM_058195.4(CDKN2A):c.194-3667G>A

Gene: CDKN2A (cyclin dependent kinase inhibitor 2A; minus strand). Cytogenetic location: 9p21.3.
Variant type: single nucleotide variant.
Coding change: c.194-3667G>A on transcript NM_058195.4 (MANE Plus Clinical); 3667 bases into the intron before coding-DNA position 194, G replaced by A.
Molecular consequence: intron variant.
Genome position (GRCh38, 1-based): chr9:21,974,875, C>T on the plus strand (G>A on the coding strand, the complement: CDKN2A is on the minus strand). VCF-style: chr9-21974875-C-T. GRCh37 (hg19) VCF-style: chr9-21974874-C-T.
Other names: c.-48G>A (NM_000077.6); c.-3-3667G>A (NM_001363763.2).
Identifiers: ClinVar variation 418118 (VCV000418118.4), dbSNP rs746294267, ClinGen allele CA5012357.

ClinVar aggregate classification (germline): Uncertain significance (1 of 4 stars; one submission).

Allele frequency attached by ClinVar (database versions not stated): ExAC below 0.00001.

Submission:

GeneDx
Classification: Uncertain significance. Last evaluated: 2015-02-25. Review status: criteria provided, single submitter. Criteria: GeneDx Variant Classification (06012015). Collection method: clinical testing. Allele origin: germline. Affected: yes.
Comment: This variant is denoted CDKN2A c.-48G>A, and describes a nucleotide substitution 48 base pairs upstream of the CDKN2A translational start site in the 5' untranslated region (UTR). The surrounding sequence, with the base that is substituted in brackets, is GCTC[G/A]GCGG. CDKN2A c.-48G>A occurs at a position that is poorly conserved among mammals and does not appear to affect the start codon or the Kazak translational consensus sequence. This variant was not observed in approximately 4,000 individuals of European and African American ancestry in the NHLBI Exome Sequencing Project, suggesting it is not a common benign variant in these populations. This variant has not, to our knowledge, been published in the literature as pathogenic or benign. Based on currently available information, it is unclear whether CDKN2A c.-48G>A is pathogenic or benign. We consider it to be a variant of uncertain significance.